The following is an entry in ClinVar:

NM_001365276.2(TNXB):c.1757G>A (p.Gly586Asp)

Gene: TNXB (tenascin XB; minus strand). Cytogenetic location: 6p21.33.
Variant type: single nucleotide variant.
Coding change: c.1757G>A on transcript NM_001365276.2 (MANE Select); coding-DNA position 1757, G replaced by A.
Protein change: p.Gly586Asp; replaces glycine 586 with aspartic acid.
Molecular consequence: missense variant.
Genome position (GRCh38, 1-based): chr6:32,096,096, C>T on the plus strand (G>A on the coding strand, the complement: TNXB is on the minus strand). VCF-style: chr6-32096096-C-T. GRCh37 (hg19) VCF-style: chr6-32063873-C-T.
Other names: c.1757G>A, p.Gly586Asp (NM_001428335.1, NM_019105.8); short protein forms G586D.
Identifiers: ClinVar variation 4537092 (VCV004537092.1).

ClinVar aggregate classification (germline): Uncertain significance (1 of 4 stars; one submission).

gnomAD v4.1: 2 of 1,609,892 alleles (0.00012%); highest among the groups gnomAD compares: Non-Finnish European, 0.00017%; no homozygotes.

Submission:

Women's Health and Genetics/Laboratory Corporation of America, LabCorp
Classification: Uncertain significance. Last evaluated: 2025-11-04. Review status: criteria provided, single submitter. Criteria: LabCorp Variant Classification Summary - May 2015. Collection method: clinical testing. Allele origin: germline.
Comment: Variant summary: TNXB c.1757G>A (p.Gly586Asp) results in a non-conservative amino acid change in the encoded protein sequence. Algorithms developed to predict the effect of missense changes on protein structure and function are either unavailable or do not agree on the potential impact of this missense change. The variant allele was found at a frequency of 4.3e-06 in 234430 control chromosomes. The available data on variant occurrences in the general population are insufficient to allow any conclusion about variant significance. To our knowledge, no occurrence of c.1757G>A in individuals affected with TNXB-related conditions and no experimental evidence demonstrating its impact on protein function have been reported. No submitters have cited clinical-significance assessments for this variant to ClinVar. Based on the evidence outlined above, the variant was classified as uncertain significance.